The following is an entry in ClinVar:

NM_006922.4(SCN3A):c.4288C>T (p.Arg1430Ter)

Gene: SCN3A (sodium voltage-gated channel alpha subunit 3; minus strand). Cytogenetic location: 2q24.3.
Variant type: single nucleotide variant.
Coding change: c.4288C>T on transcript NM_006922.4 (MANE Select); coding-DNA position 4288, C replaced by T.
Protein change: p.Arg1430Ter; replaces arginine 1430 with a stop codon.
Molecular consequence: nonsense.
Genome position (GRCh38, 1-based): chr2:165,096,472, G>A on the plus strand (C>T on the coding strand, the complement: SCN3A is on the minus strand). VCF-style: chr2-165096472-G-A. GRCh37 (hg19) VCF-style: chr2-165952982-G-A.
Other names: c.4141C>T, p.Arg1381Ter (NM_001081676.2, NM_001081677.2); c.4288C>T (NM_006922.3); short protein forms R1430*, R1381*.
Identifiers: ClinVar variation 1472730 (VCV001472730.8), dbSNP rs1553518162, ClinGen allele CA349024159.

ClinVar aggregate classification (germline): Uncertain significance. Review status: criteria provided, multiple submitters, no conflicts (2 of 4 stars). 3 submissions from 3 submitters: Uncertain significance (3). Last evaluated 2026-06-27.

Conditions:
SCN3A-related disorder. Also called: SCN3A-related condition.

gnomAD v4.1: 4 of 1,609,034 alleles (0.00025%); highest among the groups gnomAD compares: Non-Finnish European, 0.00026%; no homozygotes.

Submissions (3):

PreventionGenetics, part of Exact Sciences
Classification: Uncertain significance for SCN3A-related condition. Last evaluated: 2026-06-27. Review status: criteria provided, single submitter. Criteria: ACMG Guidelines, 2015. Collection method: clinical testing. Allele origin: germline.
Comment: The SCN3A c.4288C>T variant is predicted to result in premature protein termination (p.Arg1430*). To our knowledge, this variant has not been reported in the literature or in a large population database (gnomAD), indicating this variant is rare. A few other loss-of-function variants in SCN3A have been reported in individuals with epilepsy, often reported as occurring de novo (Zaman et al. 2020. PubMed ID: 32515017; Inuzuka et al. 2020. PubMed ID: 31677917; Chuan et al. 2022. PubMed ID: 35571021). However, the vast majority of reported pathogenic variants have been missense variants. At this time, the clinical significance of this variant is uncertain due to the absence of conclusive functional and genetic evidence.

GeneDx
Classification: Uncertain significance. Last evaluated: 2024-10-07. Review status: criteria provided, single submitter. Criteria: GeneDx Variant Classification Process June 2021. Collection method: clinical testing. Allele origin: germline. Affected: yes.
Comment: Not observed at significant frequency in large population cohorts (gnomAD); Nonsense variant predicted to result in protein truncation or nonsense mediated decay in a gene or region of a gene for which loss of function is not a well-established mechanism of disease; Has not been previously published as pathogenic or benign to our knowledge

Labcorp Genetics (formerly Invitae), Labcorp
Classification: Uncertain significance. Last evaluated: 2024-03-27. Review status: criteria provided, single submitter. Criteria: Invitae Variant Classification Sherloc (09022015). Collection method: clinical testing. Allele origin: germline.
Comment: This sequence change creates a premature translational stop signal (p.Arg1430*) in the SCN3A gene. It is expected to result in an absent or disrupted protein product. However, the current clinical and genetic evidence is not sufficient to establish whether loss-of-function variants in SCN3A cause disease. This variant is not present in population databases (gnomAD no frequency). This variant has not been reported in the literature in individuals affected with SCN3A-related conditions. ClinVar contains an entry for this variant (Variation ID: 1472730). In summary, the available evidence is currently insufficient to determine the role of this variant in disease. Therefore, it has been classified as a Variant of Uncertain Significance.